The following is an entry in ClinVar:

NM_000530.8(MPZ):c.270C>T (p.Asp90=)

Gene: MPZ (myelin protein zero; minus strand). Cytogenetic location: 1q23.3.
Variant type: single nucleotide variant.
Coding change: c.270C>T on transcript NM_000530.8 (MANE Select); coding-DNA position 270, C replaced by T.
Protein change: p.Asp90=; no amino-acid change (aspartic acid 90 retained).
Molecular consequence: synonymous variant.
Genome position (GRCh38, 1-based): chr1:161,306,886, G>A on the plus strand (C>T on the coding strand, the complement: MPZ is on the minus strand). VCF-style: chr1-161306886-G-A. GRCh37 (hg19) VCF-style: chr1-161276676-G-A.
Other names: c.270C>T, p.Asp90= (NM_001315491.2); c.270C>T (NM_000530.7).
Identifiers: ClinVar variation 872513 (VCV000872513.46), dbSNP rs121913584, ClinGen allele CA1210189.

ClinVar aggregate classification (germline): Likely benign. Review status: criteria provided, multiple submitters, no conflicts (2 of 4 stars). 3 submissions from 3 submitters: Likely benign (3). Last evaluated 2026-05-14.

Conditions:
MPZ-related disorder. Also called: MPZ-related condition; MPZ-related disorders.
Charcot-Marie-Tooth disease, type I (CMT1). Also called: Charcot-Marie-Tooth, Type 1; Charcot-Marie-Tooth disease type 1. Identifiers: Orphanet 65753, MedGen C0751036, MONDO:0019011.

Allele frequency attached by ClinVar (database versions not stated): gnomAD exomes 0.00001 and 0.00003; ExAC 0.00002; gnomAD 0.00010; TOPMed 0.00014.
gnomAD v4.1: 32 of 1,613,574 alleles (0.002%); highest among the groups gnomAD compares: African/African-American, 0.035%; no homozygotes.

Submissions (3):

PreventionGenetics, part of Exact Sciences
Classification: Likely benign for MPZ-related condition. Last evaluated: 2026-05-14. Review status: criteria provided, single submitter. Criteria: ACMG Guidelines, 2015. Collection method: clinical testing. Allele origin: germline.
Comment: This variant is classified as likely benign based on ACMG/AMP sequence variant interpretation guidelines (Richards et al. 2015 PMID: 25741868, with internal and published modifications).

Labcorp Genetics (formerly Invitae), Labcorp
Classification: Likely benign for Charcot-Marie-Tooth disease, type I. Last evaluated: 2023-10-23. Review status: criteria provided, single submitter. Criteria: Invitae Variant Classification Sherloc (09022015). Collection method: clinical testing. Allele origin: germline.

CeGaT Center for Human Genetics Tuebingen
Classification: Likely benign. Last evaluated: 2019-10-01. Review status: criteria provided, single submitter. Criteria: CeGaT Center For Human Genetics Tuebingen Variant Classification Criteria Version 2. Collection method: clinical testing. Allele origin: germline. Affected: yes. Observed: 1 variant allele.